The following is an entry in ClinVar:

NM_001256071.3(RNF213):c.1330C>T (p.Leu444=)

Gene: RNF213 (ring finger protein 213; plus strand). Cytogenetic location: 17q25.3.
Variant type: single nucleotide variant.
Coding change: c.1330C>T on transcript NM_001256071.3 (MANE Select); coding-DNA position 1330, C replaced by T.
Protein change: p.Leu444=; no amino-acid change (leucine 444 retained).
Molecular consequence: synonymous variant.
Genome position (GRCh38, 1-based): chr17:80,291,686, C>T. VCF-style: chr17-80291686-C-T. GRCh37 (hg19) VCF-style: chr17-78265485-C-T.
Other names: p.Leu444=; c.1477C>T, p.Leu493= (NM_001410195.1, NM_020914.5); c.1330C>T, p.Leu444= (NM_020954.4).
Identifiers: ClinVar variation 4684262 (VCV004684262.1).

ClinVar aggregate classification (germline): Likely benign (1 of 4 stars; one submission).

gnomAD v4.1: 5 of 1,614,192 alleles (0.00031%); highest among the groups gnomAD compares: Non-Finnish European, 0.00025%; no homozygotes.

Submission:

Mayo Clinic Laboratories, Mayo Clinic
Classification: Likely benign. Last evaluated: 2025-02-28. Review status: criteria provided, single submitter. Criteria: ACMG Guidelines, 2015. Collection method: clinical testing. Allele origin: germline. Observed: 1 variant allele.
Comment: BP4, BP7, PM2_supporting